The following is an entry in ClinVar:

ClinVar aggregate classification (germline): Uncertain significance (1 of 4 stars; one submission).

Conditions:
RYR1-related disorder. Also called: RYR1-related disorders; RYR1-related condition. Identifiers: MedGen CN239331.

Submission:

Labcorp Genetics (formerly Invitae), Labcorp
Classification: Uncertain significance for RYR1-related disorder. Last evaluated: 2019-08-19. Review status: criteria provided, single submitter. Criteria: Invitae Variant Classification Sherloc (09022015). Collection method: clinical testing. Allele origin: germline.
Comment: In summary, the available evidence is currently insufficient to determine the role of this variant in disease. Therefore, it has been classified as a Variant of Uncertain Significance. Algorithms developed to predict the effect of sequence changes on RNA splicing suggest that this variant may disrupt the consensus splice site, but this prediction has not been confirmed by published transcriptional studies. This variant has not been reported in the literature in individuals with RYR1-related conditions. This variant is not present in population databases (ExAC no frequency). This sequence change falls in intron 67 of the RYR1 gene. It does not directly change the encoded amino acid sequence of the RYR1 protein.

NM_000540.3(RYR1):c.10260-9T>G

Gene: RYR1 (ryanodine receptor 1; plus strand). Cytogenetic location: 19q13.2.
Variant type: single nucleotide variant.
Coding change: c.10260-9T>G on transcript NM_000540.3 (MANE Select); 9 bases into the intron before coding-DNA position 10260, T replaced by G.
Molecular consequence: intron variant.
Genome position (GRCh38, 1-based): chr19:38,523,019, T>G. VCF-style: chr19-38523019-T-G. GRCh37 (hg19) VCF-style: chr19-39013659-T-G.
Other names: c.10260-9T>G (NM_001042723.2).
Identifiers: ClinVar variation 943520 (VCV000943520.9), dbSNP rs1971290367, ClinGen allele CA1139666420.